The following is an entry in ClinVar:

ClinVar aggregate classification (germline): Uncertain significance. Review status: criteria provided, multiple submitters, no conflicts (2 of 4 stars). 2 submissions from 2 submitters: Uncertain significance (2). Last evaluated 2023-04-06.

Allele frequency attached by ClinVar (database versions not stated): gnomAD 0.00001; TOPMed 0.00001.
gnomAD v4.1: 1 of 1,613,386 alleles (0.000062%); highest among the groups gnomAD compares: African/African-American, 0.0013%; no homozygotes.

Submissions (2):

Labcorp Genetics (formerly Invitae), Labcorp
Classification: Uncertain significance. Last evaluated: 2023-04-06. Review status: criteria provided, single submitter. Criteria: Invitae Variant Classification Sherloc (09022015). Collection method: clinical testing. Allele origin: germline.
Comment: This variant is not present in population databases (gnomAD no frequency). This sequence change replaces glycine, which is neutral and non-polar, with arginine, which is basic and polar, at codon 385 of the FCHO1 protein (p.Gly385Arg). This variant has not been reported in the literature in individuals affected with FCHO1-related conditions. ClinVar contains an entry for this variant (Variation ID: 2237326). An algorithm developed to predict the effect of missense changes on protein structure and function (PolyPhen-2) suggests that this variant is likely to be disruptive. In summary, the available evidence is currently insufficient to determine the role of this variant in disease. Therefore, it has been classified as a Variant of Uncertain Significance.

Ambry Genetics
Classification: Uncertain significance. Last evaluated: 2021-07-14. Review status: criteria provided, single submitter. Criteria: Ambry Variant Classification Scheme 2023. Collection method: clinical testing. Allele origin: germline.

NM_015122.3(FCHO1):c.1153G>C (p.Gly385Arg)

Gene: FCHO1 (FCH and mu domain containing endocytic adaptor 1; plus strand). Cytogenetic location: 19p13.11.
Variant type: single nucleotide variant.
Coding change: c.1153G>C on transcript NM_015122.3 (MANE Select); coding-DNA position 1153, G replaced by C.
Protein change: p.Gly385Arg; replaces glycine 385 with arginine.
Molecular consequence: missense variant. On other transcripts: non-coding transcript variant (36).
Genome position (GRCh38, 1-based): chr19:17,776,132, G>C. VCF-style: chr19-17776132-G-C. GRCh37 (hg19) VCF-style: chr19-17886941-G-C.
Other names: c.1153G>C, p.Gly385Arg (NM_001384391.1, NM_001384392.1, NM_001384393.1 and 25 more transcripts); c.1003G>C, p.Gly335Arg (NM_001161359.2, NM_001384384.1, NM_001384385.1 and 3 more transcripts); c.1114G>C, p.Gly372Arg (NM_001384388.1, NM_001384389.1, NM_001384405.1); c.1078G>C, p.Gly360Arg (NM_001384390.1); c.1108G>C, p.Gly370Arg (NM_001384403.1); short protein forms G335R, G360R, G370R, G385R, G372R.
Identifiers: ClinVar variation 2237326 (VCV002237326.5), dbSNP rs2092602001, ClinGen allele CA404751469.
Genomic context (GRCh38, chr19:17,776,132, plus strand): 5'-CCGGCCCGGGCTCCAGCCTGCAGCCCCGAGGCAGCAGCGGCACAGCTCAGGGCCACCGCG[G>C]GCAGCCTCATCCTTCCTCCTGGCCCAGGGGTGAGGCGTGGGAGGGGTGCCCTGGGTGTTG-3'
Protein context (NP_055937.1, residues 375-395): AAAAQLRATA[Gly385Arg]SLILPPGPGG